The following is an entry in ClinVar:

NM_002361.4(MAG):c.1576_1587dup (p.Ile529_Val530insLeuIleAlaIle)

Gene: MAG (myelin associated glycoprotein; plus strand). Cytogenetic location: 19q13.12.
Variant type: Duplication.
Coding change: c.1576_1587dup on transcript NM_002361.4 (MANE Select); coding-DNA positions 1576 to 1587, 12 bases duplicated (CTGATTGCCATC).
Protein change: p.Ile529_Val530insLeuIleAlaIle.
Molecular consequence: inframe insertion.
Genome position (GRCh38, 1-based): chr19:35,310,603-35,310,614, CTGATTGCCATC duplicated; duplicating any 12 consecutive bases within chr19:35,310,595-35,310,614 gives the same sequence; the c. name uses the placement nearest the transcript's 3' end. VCF-style (leftmost placement, unchanged base first): chr19-35310594-T-TTTGCCATCCTGA. GRCh37 (hg19) VCF-style: chr19-35801497-T-TTTGCCATCCTGA.
Other names: c.1501_1512dup, p.Ile504_Val505insLeuIleAlaIle (NM_001199216.2); c.1576_1587dup, p.Ile529_Val530insLeuIleAlaIle (NM_080600.3).
Identifiers: ClinVar variation 1976573 (VCV001976573.4), dbSNP rs2066519865, ClinGen allele CA2333598529.

ClinVar aggregate classification (germline): Uncertain significance (1 of 4 stars; one submission).

Conditions:
Hereditary spastic paraplegia 75. Also called: Spastic paraplegia 75, autosomal recessive. Identifiers: Orphanet 459056, MedGen C4225250, MONDO:0014729, OMIM 616680.

Submission:

Labcorp Genetics (formerly Invitae), Labcorp
Classification: Uncertain significance for Hereditary spastic paraplegia 75. Last evaluated: 2022-08-21. Review status: criteria provided, single submitter. Criteria: Invitae Variant Classification Sherloc (09022015). Collection method: clinical testing. Allele origin: germline.
Comment: In summary, the available evidence is currently insufficient to determine the role of this variant in disease. Therefore, it has been classified as a Variant of Uncertain Significance. This variant has not been reported in the literature in individuals affected with MAG-related conditions. This variant is not present in population databases (gnomAD no frequency). This variant, c.1576_1587dup, results in the insertion of 4 amino acid(s) of the MAG protein (p.Leu526_Ile529dup), but otherwise preserves the integrity of the reading frame.